The following is an entry in ClinVar:

ClinVar aggregate classification (germline): Uncertain significance (1 of 4 stars; one submission).

Conditions:
Long QT syndrome (LQTS). Identifiers: MedGen C0023976, MeSH D008133, MONDO:0002442. Disease mechanism: loss of function. Inheritance: Various modes of inheritance.

Submission:

All of Us Research Program, National Institutes of Health
Classification: Uncertain significance for Long QT syndrome. Last evaluated: 2023-03-04. Review status: criteria provided, single submitter. Criteria: ACMG Guidelines, 2015. Collection method: clinical testing. Allele origin: germline. Inheritance: Autosomal dominant inheritance. Observed: 1 variant allele, 1 heterozygote.
Comment: This study involves interpretation of variants in research participants for the purpose of population health screening. Participant phenotype was not available at the time of variant classification. Additional details can be found in publication PMID: 35346344, PMCID: PMC8962531

NM_000218.3(KCNQ1):c.1159C>T (p.Pro387Ser)

Gene: KCNQ1 (potassium voltage-gated channel subfamily Q member 1; plus strand). Cytogenetic location: 11p15.5.
Variant type: single nucleotide variant.
Coding change: c.1159C>T on transcript NM_000218.3 (MANE Select); coding-DNA position 1159, C replaced by T.
Protein change: p.Pro387Ser; replaces proline 387 with serine.
Molecular consequence: missense variant.
Genome position (GRCh38, 1-based): chr11:2,587,600, C>T. VCF-style: chr11-2587600-C-T. GRCh37 (hg19) VCF-style: chr11-2608830-C-T.
Other names: c.1063C>T, p.Pro355Ser (NM_001406836.1); c.889C>T, p.Pro297Ser (NM_001406837.1); c.619C>T, p.Pro207Ser (NM_001406838.1); c.778C>T, p.Pro260Ser (NM_181798.2); short protein forms P207S, P260S, P297S, P355S, P387S.
Identifiers: ClinVar variation 3069462 (VCV003069462.1), dbSNP rs1235054708, ClinGen allele CA379134703.